The following is an entry in ClinVar:

NM_020320.5(RARS2):c.318T>A (p.Ile106=)

Gene: RARS2 (arginyl-tRNA synthetase 2, mitochondrial; minus strand). Cytogenetic location: 6q15.
Variant type: single nucleotide variant.
Coding change: c.318T>A on transcript NM_020320.5 (MANE Select); coding-DNA position 318, T replaced by A.
Protein change: p.Ile106=; no amino-acid change (isoleucine 106 retained).
Molecular consequence: synonymous variant. On other transcripts: 5 prime UTR variant (7), non-coding transcript variant (23).
Genome position (GRCh38, 1-based): chr6:87,555,485, A>T on the plus strand (T>A on the coding strand, the complement: RARS2 is on the minus strand). VCF-style: chr6-87555485-A-T. GRCh37 (hg19) VCF-style: chr6-88265203-A-T.
Other names: c.-152T>A (NM_001318785.2, NM_001350509.2); c.318T>A, p.Ile106= (NM_001350505.2); c.-208T>A (NM_001350506.2, NM_001350507.2, NM_001350510.2 and 1 more transcripts); c.-370T>A (NM_001350508.2).
Identifiers: ClinVar variation 378469 (VCV000378469.11), dbSNP rs758445993, ClinGen allele CA3916683.

ClinVar aggregate classification (germline): Likely benign. Review status: criteria provided, multiple submitters, no conflicts (2 of 4 stars). 2 submissions from 2 submitters: Likely benign (2). Last evaluated 2026-01-15.

Allele frequency attached by ClinVar (database versions not stated): gnomAD exomes 0.00003 and 0.00007; TOPMed 0.00004; ExAC 0.00006.
gnomAD v4.1: 21 of 1,613,324 alleles (0.0013%); highest among the groups gnomAD compares: Admixed American, 0.033%; no homozygotes.

Submissions (2):

Labcorp Genetics (formerly Invitae), Labcorp
Classification: Likely benign. Last evaluated: 2026-01-15. Review status: criteria provided, single submitter. Criteria: Invitae Variant Classification Sherloc (09022015). Collection method: clinical testing. Allele origin: germline.

GeneDx
Classification: Likely benign. Last evaluated: 2016-11-04. Review status: criteria provided, single submitter. Criteria: GeneDx Variant Classification (06012015). Collection method: clinical testing. Allele origin: germline. Affected: yes.
Comment: This variant is considered likely benign or benign based on one or more of the following criteria: it is a conservative change, it occurs at a poorly conserved position in the protein, it is predicted to be benign by multiple in silico algorithms, and/or has population frequency not consistent with disease.